The following is an entry in ClinVar:

ClinVar aggregate classification (germline): Conflicting classifications of pathogenicity. Review status: criteria provided, conflicting classifications (1 of 4 stars). 4 submissions from 4 submitters: Uncertain significance (3); Likely benign (1). Last evaluated 2025-05-27.

Conditions:
Cardiovascular phenotype. Identifiers: MedGen CN230736.
JPH2-related disorder. Also called: JPH2-related condition.
Hypertrophic cardiomyopathy. Also called: HYPERTROPHIC MYOCARDIOPATHY. Identifiers: Orphanet 217569, MedGen C0007194, MeSH D002312, MONDO:0005045, HP:0001639.

Allele frequency attached by ClinVar (database versions not stated): TOPMed 0.00002; gnomAD exomes 0.00003; gnomAD 0.00006; 1000 Genomes Project 0.00020; 1000 Genomes Project 30x 0.00031.
gnomAD v4.1: 46 of 1,540,344 alleles (0.003%); highest among the groups gnomAD compares: South Asian, 0.024%; no homozygotes.

Submissions (4):

PreventionGenetics, part of Exact Sciences
Classification: Uncertain significance for JPH2-related condition. Last evaluated: 2025-05-27. Review status: criteria provided, single submitter. Criteria: ACMG Guidelines, 2015. Collection method: clinical testing. Allele origin: germline.
Comment: The JPH2 c.1375G>A variant is predicted to result in the amino acid substitution p.Ala459Thr. To our knowledge, this variant has not been reported in the literature. This variant is reported in 0.0091% of alleles in individuals of South Asian descent in gnomAD. At this time, the clinical significance of this variant is uncertain due to the absence of conclusive functional and genetic evidence.

Revvity Omics, Revvity
Classification: Uncertain significance. Last evaluated: 2023-09-07. Review status: criteria provided, single submitter. Criteria: ACMG Guidelines, 2015. Collection method: clinical testing. Allele origin: germline.

Labcorp Genetics (formerly Invitae), Labcorp
Classification: Uncertain significance for Hypertrophic cardiomyopathy. Last evaluated: 2023-02-22. Review status: criteria provided, single submitter. Criteria: Invitae Variant Classification Sherloc (09022015). Collection method: clinical testing. Allele origin: germline.
Comment: In summary, the available evidence is currently insufficient to determine the role of this variant in disease. Therefore, it has been classified as a Variant of Uncertain Significance. Algorithms developed to predict the effect of missense changes on protein structure and function output the following: SIFT: "Not Available"; PolyPhen-2: "Benign"; Align-GVGD: "Not Available". The threonine amino acid residue is found in multiple mammalian species, which suggests that this missense change does not adversely affect protein function. ClinVar contains an entry for this variant (Variation ID: 1771143). This variant has not been reported in the literature in individuals affected with JPH2-related conditions. The frequency data for this variant in the population databases is considered unreliable, as metrics indicate poor data quality at this position in the gnomAD database. This sequence change replaces alanine, which is neutral and non-polar, with threonine, which is neutral and polar, at codon 459 of the JPH2 protein (p.Ala459Thr).

Ambry Genetics
Classification: Likely benign for Cardiovascular phenotype. Last evaluated: 2019-08-14. Review status: criteria provided, single submitter. Criteria: Ambry Variant Classification Scheme 2023. Collection method: clinical testing. Allele origin: germline.

NM_020433.5(JPH2):c.1375G>A (p.Ala459Thr)

Gene: JPH2 (junctophilin 2; minus strand). Cytogenetic location: 20q13.12.
Variant type: single nucleotide variant.
Coding change: c.1375G>A on transcript NM_020433.5 (MANE Select); coding-DNA position 1375, G replaced by A.
Protein change: p.Ala459Thr; replaces alanine 459 with threonine.
Molecular consequence: missense variant.
Genome position (GRCh38, 1-based): chr20:44,116,300, C>T on the plus strand (G>A on the coding strand, the complement: JPH2 is on the minus strand). VCF-style: chr20-44116300-C-T. GRCh37 (hg19) VCF-style: chr20-42744940-C-T.
Other names: short protein forms A459T.
Identifiers: ClinVar variation 1771143 (VCV001771143.9), dbSNP rs567872241, ClinGen allele CA314642697.